The following is an entry in ClinVar:

ClinVar aggregate classification (germline): Likely pathogenic (1 of 4 stars; one submission).

Submission:

Geisinger Autism and Developmental Medicine Institute, Geisinger Health System
Classification: Likely pathogenic. Last evaluated: 2018-04-16. Review status: criteria provided, single submitter. Criteria: ACMG CNV Guidelines, 2011. Collection method: provider interpretation. Allele origin: unknown.
Comment: This duplication contains two genes, MIR17HG and GPC5, and a portion of GPC6. Similar duplications including MIR17HG and a portion of GPC5 have been reported in two individuals: one with postaxial polydactyly, overgrowth, autistic features, and dysmorphic features and was inherited from a similarly affected mother, and in a patient with developmental delay, autism spectrum disorder, short stature, macrocephaly, brachydactyly, clinodactyly, and dysmorphic features that was also identified in a parent and sibling with similar features. This duplication likely contributes to the phenotype of this patient.

Literature cited by the submitters: PubMed 23792790; PubMed 24739087.

Single allele

Genes: GPC5 (glypican 5; plus strand), GPC6 (glypican 6; plus strand), MIR17 (microRNA 17; plus strand), MIR17HG (miR-17-92a-1 cluster host gene; plus strand), MIR18A (microRNA 18a; plus strand) and 4 more. Cytogenetic location: 13q31.3.
Variant type: Duplication.
Identifiers: ClinVar variation 560158 (VCV000560158.3).